The following continues an entry in ClinVar:

NM_022489.4(INF2):c.2630G>A (p.Arg877Gln)

Gene: INF2. ClinVar aggregate classification (germline): Benign. Benign (10).

Submissions 30 to 65 of 94:

Dr. Peter K. Rogan Lab, Western University
No classification provided (evidence only). Condition: Familial cancer of breast. Review status: no classification provided. Collection method: in vitro. Allele origin: not applicable. Functional consequence: retained intron. Not counted in ClinVar's aggregate classification.

Dr. Peter K. Rogan Lab, Western University
No classification provided (evidence only). Condition: Familial cancer of breast. Review status: no classification provided. Collection method: in vitro. Allele origin: not applicable. Functional consequence: retained intron. Not counted in ClinVar's aggregate classification.

Dr. Peter K. Rogan Lab, Western University
No classification provided (evidence only). Condition: Acute myeloid leukemia. Review status: no classification provided. Collection method: in vitro. Allele origin: not applicable. Functional consequence: retained intron. Not counted in ClinVar's aggregate classification.

Dr. Peter K. Rogan Lab, Western University
No classification provided (evidence only). Condition: Acute myeloid leukemia. Review status: no classification provided. Collection method: in vitro. Allele origin: not applicable. Functional consequence: retained intron. Not counted in ClinVar's aggregate classification.

Dr. Peter K. Rogan Lab, Western University
No classification provided (evidence only). Condition: Acute myeloid leukemia. Review status: no classification provided. Collection method: in vitro. Allele origin: not applicable. Functional consequence: retained intron. Not counted in ClinVar's aggregate classification.

Dr. Peter K. Rogan Lab, Western University
No classification provided (evidence only). Condition: Colon adenocarcinoma. Review status: no classification provided. Collection method: in vitro. Allele origin: not applicable. Functional consequence: retained intron. Not counted in ClinVar's aggregate classification.

Dr. Peter K. Rogan Lab, Western University
No classification provided (evidence only). Condition: Colon adenocarcinoma. Review status: no classification provided. Collection method: in vitro. Allele origin: not applicable. Functional consequence: retained intron. Not counted in ClinVar's aggregate classification.

Dr. Peter K. Rogan Lab, Western University
No classification provided (evidence only). Condition: Colon adenocarcinoma. Review status: no classification provided. Collection method: in vitro. Allele origin: not applicable. Functional consequence: retained intron. Not counted in ClinVar's aggregate classification.

Dr. Peter K. Rogan Lab, Western University
No classification provided (evidence only). Condition: Colon adenocarcinoma. Review status: no classification provided. Collection method: in vitro. Allele origin: not applicable. Functional consequence: retained intron. Not counted in ClinVar's aggregate classification.

Dr. Peter K. Rogan Lab, Western University
No classification provided (evidence only). Condition: Colon adenocarcinoma. Review status: no classification provided. Collection method: in vitro. Allele origin: not applicable. Functional consequence: retained intron. Not counted in ClinVar's aggregate classification.

Dr. Peter K. Rogan Lab, Western University
No classification provided (evidence only). Condition: Colon adenocarcinoma. Review status: no classification provided. Collection method: in vitro. Allele origin: not applicable. Functional consequence: retained intron. Not counted in ClinVar's aggregate classification.

Dr. Peter K. Rogan Lab, Western University
No classification provided (evidence only). Condition: Colorectal cancer. Review status: no classification provided. Collection method: in vitro. Allele origin: not applicable. Functional consequence: retained intron. Not counted in ClinVar's aggregate classification.

Dr. Peter K. Rogan Lab, Western University
No classification provided (evidence only). Condition: Colorectal cancer. Review status: no classification provided. Collection method: in vitro. Allele origin: not applicable. Functional consequence: retained intron. Not counted in ClinVar's aggregate classification.

Dr. Peter K. Rogan Lab, Western University
No classification provided (evidence only). Condition: Colorectal cancer. Review status: no classification provided. Collection method: in vitro. Allele origin: not applicable. Functional consequence: retained intron. Not counted in ClinVar's aggregate classification.

Dr. Peter K. Rogan Lab, Western University
No classification provided (evidence only). Condition: Thyroid cancer, nonmedullary, 1. Review status: no classification provided. Collection method: in vitro. Allele origin: not applicable. Functional consequence: retained intron. Not counted in ClinVar's aggregate classification.

Dr. Peter K. Rogan Lab, Western University
No classification provided (evidence only). Condition: Thyroid cancer, nonmedullary, 1. Review status: no classification provided. Collection method: in vitro. Allele origin: not applicable. Functional consequence: retained intron. Not counted in ClinVar's aggregate classification.

Dr. Peter K. Rogan Lab, Western University
No classification provided (evidence only). Condition: Thyroid cancer, nonmedullary, 1. Review status: no classification provided. Collection method: in vitro. Allele origin: not applicable. Functional consequence: retained intron. Not counted in ClinVar's aggregate classification.

Dr. Peter K. Rogan Lab, Western University
No classification provided (evidence only). Condition: Thyroid cancer, nonmedullary, 1. Review status: no classification provided. Collection method: in vitro. Allele origin: not applicable. Functional consequence: retained intron. Not counted in ClinVar's aggregate classification.

Dr. Peter K. Rogan Lab, Western University
No classification provided (evidence only). Condition: Thyroid cancer, nonmedullary, 1. Review status: no classification provided. Collection method: in vitro. Allele origin: not applicable. Functional consequence: retained intron. Not counted in ClinVar's aggregate classification.

Dr. Peter K. Rogan Lab, Western University
No classification provided (evidence only). Condition: Thyroid cancer, nonmedullary, 1. Review status: no classification provided. Collection method: in vitro. Allele origin: not applicable. Functional consequence: retained intron. Not counted in ClinVar's aggregate classification.

Dr. Peter K. Rogan Lab, Western University
No classification provided (evidence only). Condition: Thyroid cancer, nonmedullary, 1. Review status: no classification provided. Collection method: in vitro. Allele origin: not applicable. Functional consequence: retained intron. Not counted in ClinVar's aggregate classification.

Dr. Peter K. Rogan Lab, Western University
No classification provided (evidence only). Condition: Thyroid cancer, nonmedullary, 1. Review status: no classification provided. Collection method: in vitro. Allele origin: not applicable. Functional consequence: retained intron. Not counted in ClinVar's aggregate classification.

Dr. Peter K. Rogan Lab, Western University
No classification provided (evidence only). Condition: Thyroid cancer, nonmedullary, 1. Review status: no classification provided. Collection method: in vitro. Allele origin: not applicable. Functional consequence: retained intron. Not counted in ClinVar's aggregate classification.

Dr. Peter K. Rogan Lab, Western University
No classification provided (evidence only). Condition: Uterine corpus endometrial carcinoma. Review status: no classification provided. Collection method: in vitro. Allele origin: not applicable. Functional consequence: retained intron. Not counted in ClinVar's aggregate classification.

Dr. Peter K. Rogan Lab, Western University
No classification provided (evidence only). Condition: Uterine corpus endometrial carcinoma. Review status: no classification provided. Collection method: in vitro. Allele origin: not applicable. Functional consequence: retained intron. Not counted in ClinVar's aggregate classification.

Dr. Peter K. Rogan Lab, Western University
No classification provided (evidence only). Condition: Uterine corpus endometrial carcinoma. Review status: no classification provided. Collection method: in vitro. Allele origin: not applicable. Functional consequence: retained intron. Not counted in ClinVar's aggregate classification.

Dr. Peter K. Rogan Lab, Western University
No classification provided (evidence only). Condition: Uterine corpus endometrial carcinoma. Review status: no classification provided. Collection method: in vitro. Allele origin: not applicable. Functional consequence: retained intron. Not counted in ClinVar's aggregate classification.

Dr. Peter K. Rogan Lab, Western University
No classification provided (evidence only). Condition: Uterine corpus endometrial carcinoma. Review status: no classification provided. Collection method: in vitro. Allele origin: not applicable. Functional consequence: retained intron. Not counted in ClinVar's aggregate classification.

Dr. Peter K. Rogan Lab, Western University
No classification provided (evidence only). Condition: Uterine corpus endometrial carcinoma. Review status: no classification provided. Collection method: in vitro. Allele origin: not applicable. Functional consequence: retained intron. Not counted in ClinVar's aggregate classification.

Dr. Peter K. Rogan Lab, Western University
No classification provided (evidence only). Condition: Cervical cancer. Review status: no classification provided. Collection method: in vitro. Allele origin: not applicable. Functional consequence: retained intron. Not counted in ClinVar's aggregate classification.

Dr. Peter K. Rogan Lab, Western University
No classification provided (evidence only). Condition: Cervical cancer. Review status: no classification provided. Collection method: in vitro. Allele origin: not applicable. Functional consequence: retained intron. Not counted in ClinVar's aggregate classification.

Dr. Peter K. Rogan Lab, Western University
No classification provided (evidence only). Condition: Sarcoma. Review status: no classification provided. Collection method: in vitro. Allele origin: not applicable. Functional consequence: retained intron. Not counted in ClinVar's aggregate classification.

Dr. Peter K. Rogan Lab, Western University
No classification provided (evidence only). Condition: Sarcoma. Review status: no classification provided. Collection method: in vitro. Allele origin: not applicable. Functional consequence: retained intron. Not counted in ClinVar's aggregate classification.

Dr. Peter K. Rogan Lab, Western University
No classification provided (evidence only). Condition: Sarcoma. Review status: no classification provided. Collection method: in vitro. Allele origin: not applicable. Functional consequence: retained intron. Not counted in ClinVar's aggregate classification.

Dr. Peter K. Rogan Lab, Western University
No classification provided (evidence only). Condition: Sarcoma. Review status: no classification provided. Collection method: in vitro. Allele origin: not applicable. Functional consequence: retained intron. Not counted in ClinVar's aggregate classification.

Dr. Peter K. Rogan Lab, Western University
No classification provided (evidence only). Condition: Sarcoma. Review status: no classification provided. Collection method: in vitro. Allele origin: not applicable. Functional consequence: retained intron. Not counted in ClinVar's aggregate classification.